The following is an entry in ClinVar:

ClinVar aggregate classification (germline): Uncertain significance. Review status: criteria provided, multiple submitters, no conflicts (2 of 4 stars). 15 submissions from 15 submitters: Uncertain significance (15). Last evaluated 2026-02-03.

Conditions:
BRIP1-related disorder. Also called: BRIP1-related condition; BRIP1-related disorders. Identifiers: MedGen CN239206.
Familial ovarian cancer. Identifiers: MedGen C5679802, MONDO:0016248.
Hereditary cancer-predisposing syndrome. Also called: Tumor predisposition; Neoplastic Syndromes, Hereditary; Hereditary neoplastic syndrome; Hereditary Cancer Syndrome. Identifiers: Orphanet 140162, MedGen C0027672, MeSH D009386, MONDO:0015356.
Fanconi anemia complementation group J. Also called: BRIP1-Related Fanconi Anemia. Identifiers: Orphanet 84, MedGen C1836860, MONDO:0012187, OMIM 609054.
Familial cancer of breast. Also called: BREAST CANCER, FAMILIAL; hereditary breast carcinoma; Hereditary breast cancer. Identifiers: Orphanet 227535, MedGen C0346153, MONDO:0016419, OMIM 114480. Disease mechanism: loss of function.

Allele frequency attached by ClinVar (database versions not stated): gnomAD 0.00001 and 0.00002; gnomAD exomes 0.00001; ExAC 0.00002; TOPMed 0.00002; 1000 Genomes Project 30x 0.00016.
gnomAD v4.1: 25 of 1,613,958 alleles (0.0015%); highest among the groups gnomAD compares: African/African-American, 0.012%; no homozygotes.

Submissions (15):

Labcorp Genetics (formerly Invitae), Labcorp
Classification: Uncertain significance for Familial cancer of breast; Fanconi anemia complementation group J. Last evaluated: 2026-02-03. Review status: criteria provided, single submitter. Criteria: Invitae Variant Classification Sherloc (09022015). Collection method: clinical testing. Allele origin: germline.
Comment: This sequence change replaces arginine, which is basic and polar, with glutamine, which is neutral and polar, at codon 865 of the BRIP1 protein (p.Arg865Gln). This variant is present in population databases (rs781609846, gnomAD 0.01%). This missense change has been observed in individual(s) with BRIP1-related conditions (PMID: 34326862, 35739278). ClinVar contains an entry for this variant (Variation ID: 186015). Invitae Evidence Modeling of protein sequence and biophysical properties (such as structural, functional, and spatial information, amino acid conservation, physicochemical variation, residue mobility, and thermodynamic stability) has been performed for this missense variant. However, the output from this modeling did not meet the statistical confidence thresholds required to predict the impact of this variant on BRIP1 protein function. In summary, the available evidence is currently insufficient to determine the role of this variant in disease. Therefore, it has been classified as a Variant of Uncertain Significance.

Ambry Genetics
Classification: Uncertain significance for Hereditary cancer-predisposing syndrome. Last evaluated: 2025-07-14. Review status: criteria provided, single submitter. Criteria: Ambry Variant Classification Scheme 2023. Collection method: clinical testing. Allele origin: germline.
Comment: The p.R865Q variant (also known as c.2594G>A), located in coding exon 18 of the BRIP1 gene, results from a G to A substitution at nucleotide position 2594. The arginine at codon 865 is replaced by glutamine, an amino acid with highly similar properties. This amino acid position is highly conserved in available vertebrate species. In addition, the in silico prediction for this alteration is inconclusive. Based on the available evidence, the clinical significance of this variant remains unclear.

Women's Health and Genetics/Laboratory Corporation of America, LabCorp
Classification: Uncertain significance. Last evaluated: 2024-11-21. Review status: criteria provided, single submitter. Criteria: LabCorp Variant Classification Summary - May 2015. Collection method: clinical testing. Allele origin: germline.
Comment: Variant summary: BRIP1 c.2594G>A (p.Arg865Gln) results in a conservative amino acid change in the encoded protein sequence. Four of five in-silico tools predict a damaging effect of the variant on protein function. The variant allele was found at a frequency of 1.5e-05 in 1613958 control chromosomes, predominantly at a frequency of 0.00012 within the African or African-American subpopulation in the gnomAD database. This exceeds the expected maximum pathogenic allele frequency for Hereditary Breast and Ovarian Cancer syndrome (0.00006) in the African or African-American subpopulation, however an insufficient number of control alleles were found to apply benign evidence. An additional control individual heterozygous for this variant was reported (Easton_2016). c.2594G>A has been reported in the literature in individuals affected with Hereditary Breast And Ovarian Cancer Syndrome and/or Adult acute lymphoblastic leukemia (examples, Bhai_2021, Douglas_2022). These report(s) do not provide unequivocal conclusions about association of the variant with BRIP1-related conditions. To our knowledge, no experimental evidence demonstrating an impact on protein function has been reported. The following publications have been ascertained in the context of this evaluation (PMID: 34326862, 35739278, 26921362). ClinVar contains an entry for this variant (Variation ID: 186015). Based on the evidence outlined above, the variant was classified as VUS-possibly benign.

Blueprint Genetics
Classification: Uncertain significance. Last evaluated: 2024-10-08. Review status: criteria provided, single submitter. Criteria: ACMG Guidelines, 2015. Collection method: clinical testing. Allele origin: germline.

Color Diagnostics, LLC DBA Color Health
Classification: Uncertain significance for Hereditary cancer-predisposing syndrome. Last evaluated: 2024-08-06. Review status: criteria provided, single submitter. Criteria: ACMG Guidelines, 2015. Collection method: clinical testing. Allele origin: germline.
Comment: This missense variant replaces arginine with glutamine at codon 865 of the BRIP1 protein. Computational prediction is inconclusive regarding the impact of this variant on protein structure and function. To our knowledge, functional studies have not been reported for this variant. This variant has been reported in an individual affected with breast cancer (PMID: 34326862). In a breast cancer case-control study, this variant was absent in 1313 breast cancer cases and observed in 1/1123 controls (PMID: 26921362). This variant has been identified in 2/250442 chromosomes in the general population by the Genome Aggregation Database (gnomAD). The available evidence is insufficient to determine the role of this variant in disease conclusively. Therefore, this variant is classified as a Variant of Uncertain Significance.

Molecular Pathology, Peter Maccallum Cancer Centre
Classification: Uncertain significance for Familial ovarian cancer. Last evaluated: 2024-02-01. Review status: criteria provided, single submitter. Criteria: ACMG Guidelines, 2015. Collection method: clinical testing. Allele origin: germline. Inheritance: Autosomal dominant inheritance.

Baylor Genetics
Classification: Uncertain significance for Familial cancer of breast. Last evaluated: 2023-08-25. Review status: criteria provided, single submitter. Criteria: ACMG Guidelines, 2015. Collection method: clinical testing. Allele origin: unknown.

KCCC/NGS Laboratory, Kuwait Cancer Control Center
Classification: Uncertain significance for Familial cancer of breast. Last evaluated: 2023-05-29. Review status: criteria provided, single submitter. Criteria: ACMG Guidelines, 2015. Collection method: clinical testing. Allele origin: unknown. Inheritance: Autosomal dominant inheritance. Affected: yes. Observed: 1 heterozygote.
Comment: variant of uncertain significance was detected in the BRIP1 gene (c.2594G>A). This sequence change replaces arginine, which is basic and polar, with glutamine, which is neutral and polar, at codon 865 of the BRIP1 protein (p.Arg865Gln). This variant is present in population databases (rs781609846, gnomAD 0.01%). This amino acid position is moderate conserved ( PhyloP= 5.58 . This variant has not been reported in the literature in individuals affected with BRIP1-related conditions. ClinVar contains an entry for this variant (Variation ID: 186015). t In silico analysis supports that this missense variant has a deleterious effect on protein structure/function. In summary, the available evidence is currently insufficient to determine the role of this variant in disease. Therefore, it has been classified as a Variant of Uncertain Significance. BRIP1 gene cause susceptibility to breast cancer (OMIM 114480).

GeneDx
Classification: Uncertain significance. Last evaluated: 2022-07-13. Review status: criteria provided, single submitter. Criteria: GeneDx Variant Classification Process June 2021. Collection method: clinical testing. Allele origin: germline. Affected: yes.
Comment: Not observed at a significant frequency in large population cohorts (gnomAD); In silico analysis supports that this missense variant has a deleterious effect on protein structure/function; Absent from breast cancer cases but observed in cancer-free controls in case-control study (Easton 2016); This variant is associated with the following publications: (PMID: 26921362)

Sema4
Classification: Uncertain significance for Hereditary cancer-predisposing syndrome. Last evaluated: 2022-02-08. Review status: criteria provided, single submitter. Criteria: Sema4 Curation Guidelines. Collection method: curation. Allele origin: germline.
Comment: The BRIP1 c.2594G>A (p.R865Q) variant has not been reported in individuals with BRIP1-related disease. It was observed in 2/15732 chromosomes of the African/African American subpopulation, in the large and broad cohorts of the Genome Aggregation Database (PMID: 32461654). This variant has been reported in ClinVar (Variation ID 186015). Functional studies have not been performed, and in silico predictions of the variant's effect on protein function are inconclusive. The evidence is insufficient to meet ACMG/AMP criteria for classifying the variant as benign or pathogenic. Thus, the clinical significance of this variant is currently uncertain.

Quest Diagnostics Nichols Institute San Juan Capistrano
Classification: Uncertain significance. Last evaluated: 2021-05-29. Review status: criteria provided, single submitter. Criteria: Quest Diagnostics criteria. Collection method: clinical testing. Allele origin: unknown.

Department of Pathology and Laboratory Medicine, Sinai Health System
Classification: Uncertain significance for Familial cancer of breast. Last evaluated: 2019-11-22. Review status: criteria provided, single submitter. Criteria: ACMG Guidelines, 2015. Collection method: clinical testing. Allele origin: germline. Affected: yes.

Centre for Mendelian Genomics, University Medical Centre Ljubljana
Classification: Uncertain significance for Fanconi anemia complementation group J. Last evaluated: 2019-05-10. Review status: criteria provided, single submitter. Criteria: ACMG Guidelines, 2015. Collection method: clinical testing. Allele origin: unknown. Affected: yes.
Comment: This variant was classified as: Uncertain significance. The available evidence on this variant's pathogenicity is insufficient or conflicting. The following ACMG criteria were applied in classifying this variant: PP3,BP1.

Illumina Laboratory Services, Illumina
Classification: Uncertain significance for BRIP1-Related Disorders. Last evaluated: 2019-02-05. Review status: criteria provided, single submitter. Criteria: ICSLVariantClassificationCriteria RUGD 01 April 2020. Collection method: clinical testing. Allele origin: unknown.
Comment: The BRIP1 c.2594G>A (p.Arg865Gln) variant is a missense variant. A literature search was performed for the gene, cDNA change, and amino acid change. No publications were found based on this search. This variant is found at a frequency of 0.000205 in the African population of the Genome Aggregation Database but this is based on two alleles only in a region of good sequence coverage so the variant is presumed to be rare. Based on the limited evidence, the p.Arg865Gln variant is classified as a variant of uncertain significance for BRIP1-related disorders.

ARUP Laboratories, Molecular Genetics and Genomics, ARUP Laboratories
Classification: Uncertain significance. Last evaluated: 2016-09-01. Review status: criteria provided, single submitter. Criteria: ARUP Molecular Germline Variant Investigation Process. Collection method: clinical testing. Allele origin: germline.

Literature cited by the submitters: PubMed 34326862 (cited by 3 submitters); PubMed 35739278 (cited by Labcorp Genetics (formerly Invitae), Labcorp and Women's Health and Genetics/Laboratory Corporation of America, LabCorp); PubMed 26921362 (cited by 4 submitters).

NM_032043.3(BRIP1):c.2594G>A (p.Arg865Gln)

Gene: BRIP1 (BRCA1 interacting DNA helicase 1; minus strand). Cytogenetic location: 17q23.2.
Variant type: single nucleotide variant.
Coding change: c.2594G>A on transcript NM_032043.3 (MANE Select); coding-DNA position 2594, G replaced by A.
Protein change: p.Arg865Gln; replaces arginine 865 with glutamine.
Molecular consequence: missense variant.
Genome position (GRCh38, 1-based): chr17:61,686,147, C>T on the plus strand (G>A on the coding strand, the complement: BRIP1 is on the minus strand). VCF-style: chr17-61686147-C-T. GRCh37 (hg19) VCF-style: chr17-59763508-C-T.
Other names: short protein forms R865Q.
Identifiers: ClinVar variation 186015 (VCV000186015.45), dbSNP rs781609846, ClinGen allele CA193631.
Genomic context (GRCh38, chr17:61,686,147, plus strand): 5'-GAAAATTCAGCCAAGGATTCCAGTGCACTTTCAAAGGTTGAATGGTGCTGAATCTGCTGC[C>T]GTACCCATTTAGAAAGTCCTAAAGAAAAAGGTAAACCCAGGGAAAATTTGGTTACTTAGT-3'
Protein context (NP_114432.2, residues 855-875): RYISGLSKWV[Arg865Gln]QQIQHHSTFE